The following is an entry in ClinVar:

ClinVar aggregate classification (germline): Likely benign (1 of 4 stars; one submission).

Allele frequency attached by ClinVar (database versions not stated): 1000 Genomes Project 0.00100; 1000 Genomes Project 30x 0.00109; ExAC 0.00128; TOPMed 0.00183; ESP Exome Variant Server 0.00193; gnomAD 0.00246; gnomAD exomes 0.00260.
gnomAD v4.1: 3,987 of 1,551,324 alleles (0.26%); highest among the groups gnomAD compares: Non-Finnish European, 0.29%; 6 homozygotes.

Submission:

CeGaT Center for Human Genetics Tuebingen
Classification: Likely benign. Last evaluated: 2024-10-01. Review status: criteria provided, single submitter. Criteria: CeGaT Center For Human Genetics Tuebingen Variant Classification Criteria Version 2. Collection method: clinical testing. Allele origin: germline. Affected: yes. Observed: 2 variant alleles.
Comment: SPTBN5: BS2

NM_016642.4(SPTBN5):c.820G>A (p.Val274Ile)

Gene: SPTBN5 (spectrin beta, non-erythrocytic 5; minus strand). Cytogenetic location: 15q15.1.
Variant type: single nucleotide variant.
Coding change: c.820G>A on transcript NM_016642.4 (MANE Select); coding-DNA position 820, G replaced by A.
Protein change: p.Val274Ile; replaces valine 274 with isoleucine.
Molecular consequence: missense variant.
Genome position (GRCh38, 1-based): chr15:41,887,281, C>T on the plus strand (G>A on the coding strand, the complement: SPTBN5 is on the minus strand). VCF-style: chr15-41887281-C-T. GRCh37 (hg19) VCF-style: chr15-42179479-C-T.
Other names: short protein forms V274I.
Identifiers: ClinVar variation 2645231 (VCV002645231.24), dbSNP rs55830029, ClinGen allele CA7504313.